The following is an entry in ClinVar:

NM_001277115.2(DNAH11):c.10967G>A (p.Arg3656His)

Gene: DNAH11 (dynein axonemal heavy chain 11; plus strand). Cytogenetic location: 7p15.3.
Variant type: single nucleotide variant.
Coding change: c.10967G>A on transcript NM_001277115.2 (MANE Select); coding-DNA position 10967, G replaced by A.
Protein change: p.Arg3656His; replaces arginine 3656 with histidine.
Molecular consequence: missense variant.
Genome position (GRCh38, 1-based): chr7:21,852,537, G>A. VCF-style: chr7-21852537-G-A. GRCh37 (hg19) VCF-style: chr7-21892155-G-A.
Other names: c.10967G>A (NM_001277115.1); short protein forms R3656H.
Identifiers: ClinVar variation 1494244 (VCV001494244.10), dbSNP rs765797284, ClinGen allele CA4182564.
Genomic context (GRCh38, chr7:21,852,537, plus strand): 5'-CAAAGCACCAAAATGATTTTAAAATTGAGCTCAAGTATCTGGAAGACGATCTCCTTTTGC[G>A]CCTTTCTGCGGCAGAGGGAAGCTTTCTGGATGACACCAAACTGGTAGAGAGATTGGAGGC-3'
Protein context (NP_001264044.1, residues 3646-3666): LKYLEDDLLL[Arg3656His]LSAAEGSFLD

ClinVar aggregate classification (germline): Conflicting classifications of pathogenicity. Review status: criteria provided, conflicting classifications (1 of 4 stars). 2 submissions from 2 submitters: Uncertain significance (1); Benign (1). Last evaluated 2025-08-01.

Conditions:
Primary ciliary dyskinesia. Also called: Ciliary dyskinesia. Identifiers: Orphanet 244, MedGen C0008780, MONDO:0016575, HP:0012265.

Allele frequency attached by ClinVar (database versions not stated): gnomAD 0.00002 and 0.00003; ExAC 0.00003; gnomAD exomes 0.00004; TOPMed 0.00005.
gnomAD v4.1: 69 of 1,613,272 alleles (0.0043%); highest among the groups gnomAD compares: East Asian, 0.038%; no homozygotes.

Submissions (2):

Labcorp Genetics (formerly Invitae), Labcorp
Classification: Benign for Primary ciliary dyskinesia. Last evaluated: 2025-08-01. Review status: criteria provided, single submitter. Criteria: Invitae Variant Classification Sherloc (09022015). Collection method: clinical testing. Allele origin: germline.

Ambry Genetics
Classification: Uncertain significance for Primary ciliary dyskinesia. Last evaluated: 2024-12-28. Review status: criteria provided, single submitter. Criteria: Ambry Variant Classification Scheme 2023. Collection method: clinical testing. Allele origin: germline.
Comment: The p.R3656H variant (also known as c.10967G>A), located in coding exon 67 of the DNAH11 gene, results from a G to A substitution at nucleotide position 10967. The arginine at codon 3656 is replaced by histidine, an amino acid with highly similar properties. This amino acid position is conserved. In addition, this alteration is predicted to be tolerated by in silico analysis. Based on the available evidence, the clinical significance of this variant remains unclear.